The following is an entry in ClinVar:

ClinVar aggregate classification (germline): Uncertain significance (1 of 4 stars; one submission).

gnomAD v4.1: 1 of 1,614,088 alleles (0.000062%); highest among the groups gnomAD compares: Admixed American, 0.0017%; no homozygotes.

Submission:

GeneDx
Classification: Uncertain significance. Last evaluated: 2025-07-31. Review status: criteria provided, single submitter. Criteria: GeneDx Variant Classification Process June 2021. Collection method: clinical testing. Allele origin: germline. Affected: yes.
Comment: In silico analysis suggests that this missense variant does not alter protein structure/function; Has not been previously published as pathogenic or benign to our knowledge

NM_007118.4(TRIO):c.5788C>T (p.Leu1930Phe)

Gene: TRIO (trio Rho guanine nucleotide exchange factor; plus strand). Cytogenetic location: 5p15.2.
Variant type: single nucleotide variant.
Coding change: c.5788C>T on transcript NM_007118.4 (MANE Select); coding-DNA position 5788, C replaced by T.
Protein change: p.Leu1930Phe; replaces leucine 1930 with phenylalanine.
Molecular consequence: missense variant. On other transcripts: non-coding transcript variant (1).
Genome position (GRCh38, 1-based): chr5:14,471,342, C>T. VCF-style: chr5-14471342-C-T. GRCh37 (hg19) VCF-style: chr5-14471451-C-T.
Other names: short protein forms L1930F.
Identifiers: ClinVar variation 4690154 (VCV004690154.1).